The following is an entry in ClinVar:

ClinVar aggregate classification (germline): Pathogenic/Likely pathogenic. Review status: criteria provided, multiple submitters, no conflicts (2 of 4 stars). 2 submissions from 2 submitters: Pathogenic (1); Likely pathogenic (1). Last evaluated 2024-12-04.

Conditions:
Hepatoencephalopathy due to combined oxidative phosphorylation defect type 1. Also called: HEPATOENCEPHALOPATHY, EARLY FATAL PROGRESSIVE. Identifiers: Orphanet 137681, MedGen C1836797, MONDO:0012191, OMIM 609060.

Submissions (2):

Natera, Inc.
Classification: Likely pathogenic for Combined oxidative phosphorylation deficiency 1. Last evaluated: 2024-12-04. Review status: criteria provided, single submitter. Criteria: Natera Variant Classification Schema (03/2026). Collection method: clinical testing. Allele origin: germline.
Comment: The c.1595_1596delCT variant in GFM1 is a frameshift variant predicted to shift the reading frame beginning at codon 532 and leads to a stop codon 4 codons downstream. This variant is expected to result in nonsense mediated decay, truncation, or a dysfunctional protein product. This variant is rare in the general population with a frequency below the threshold expected for the associated phenotype(s). Given the available evidence, this variant is classified as Likely Pathogenic.

Labcorp Genetics (formerly Invitae), Labcorp
Classification: Pathogenic. Last evaluated: 2022-06-20. Review status: criteria provided, single submitter. Criteria: Invitae Variant Classification Sherloc (09022015). Collection method: clinical testing. Allele origin: germline.
Comment: This variant has not been reported in the literature in individuals affected with GFM1-related conditions. This sequence change creates a premature translational stop signal (p.Pro532Argfs*4) in the GFM1 gene. It is expected to result in an absent or disrupted protein product. Loss-of-function variants in GFM1 are known to be pathogenic (PMID: 16632485, 17160893). This variant is not present in population databases (gnomAD no frequency). For these reasons, this variant has been classified as Pathogenic. ClinVar contains an entry for this variant (Variation ID: 1068827).

Literature cited by the submitters: PubMed 16632485 (cited by Labcorp Genetics (formerly Invitae), Labcorp); PubMed 17160893 (cited by Labcorp Genetics (formerly Invitae), Labcorp).

NM_024996.7(GFM1):c.1595_1596del (p.Pro532fs)

Gene: GFM1 (G elongation factor mitochondrial 1; plus strand). Cytogenetic location: 3q25.32.
Variant type: Deletion.
Coding change: c.1595_1596del on transcript NM_024996.7 (MANE Select); coding-DNA positions 1595 to 1596, 2 bases deleted (CT; older notation c.1595_1596delCT).
Protein change: p.Pro532fs; shifts the reading frame from proline 532.
Molecular consequence: frameshift variant. On other transcripts: non-coding transcript variant (4).
Genome position (GRCh38, 1-based): chr3:158,666,380-158,666,381, CT deleted. VCF-style (leftmost placement, unchanged base first): chr3-158666379-CCT-C. GRCh37 (hg19) VCF-style: chr3-158384168-CCT-C.
Other names: c.1652_1653del, p.Pro551fs (NM_001308164.2); c.1595_1596del, p.Pro532fs (NM_001308166.2); c.1514_1515del, p.Pro505fs (NM_001374355.1); c.1478_1479del, p.Pro493fs (NM_001374356.1); c.1370_1371del, p.Pro457fs (NM_001374357.1); c.1136_1137del, p.Pro379fs (NM_001374358.1); c.1028_1029del, p.Pro343fs (NM_001374359.1, NM_001374360.1); c.911_912del, p.Pro304fs (NM_001374361.1); and 1 more; short protein forms P304fs, P343fs, P379fs, P457fs, P493fs, P505fs, P532fs, P551fs.
Identifiers: ClinVar variation 1068827 (VCV001068827.9), dbSNP rs2108053490, ClinGen allele CA2499216570.
Genomic context (GRCh38, chr3:158,666,379, plus strand): 5'-TATGGCTGTCCTTGTATCACAGGAAAGCCAAAAGTTGCCTTTCGAGAGACCATTACTGCC[CCT>C]GTCCCGTAAGTATGCAACGTAATTAAACATTATGAGGCTGAAATTGAAGCTTTTTATTTT-3'